The following is an entry in ClinVar:

ClinVar aggregate classification (germline): Uncertain significance. Review status: criteria provided, multiple submitters, no conflicts (2 of 4 stars). 2 submissions from 2 submitters: Uncertain significance (2). Last evaluated 2025-02-10.

Conditions:
Bethlem myopathy 1A. Also called: Bethlem Muscular Dystrophy; Bethlem myopathy 1; MYOPATHY, BENIGN CONGENITAL, WITH CONTRACTURES. Identifiers: Orphanet 610, MedGen CN029274, MONDO:0024530, OMIM 158810.

Allele frequency attached by ClinVar (database versions not stated): ExAC 0.00001; gnomAD exomes 0.00001 and 0.00003; TOPMed 0.00002; gnomAD 0.00004.
gnomAD v4.1: 56 of 1,613,200 alleles (0.0035%); highest among the groups gnomAD compares: Admixed American, 0.0083%; no homozygotes.

Submissions (2):

Labcorp Genetics (formerly Invitae), Labcorp
Classification: Uncertain significance for Bethlem myopathy 1A. Last evaluated: 2025-02-10. Review status: criteria provided, single submitter. Criteria: Invitae Variant Classification Sherloc (09022015). Collection method: clinical testing. Allele origin: germline.
Comment: This sequence change replaces arginine, which is basic and polar, with glutamine, which is neutral and polar, at codon 539 of the COL6A2 protein (p.Arg539Gln). This variant is present in population databases (rs768933697, gnomAD 0.003%). This missense change has been observed in individual(s) with Ullrich congenital muscular dystrophy (PMID: 24801232). ClinVar contains an entry for this variant (Variation ID: 652598). Invitae Evidence Modeling of protein sequence and biophysical properties (such as structural, functional, and spatial information, amino acid conservation, physicochemical variation, residue mobility, and thermodynamic stability) indicates that this missense variant is expected to disrupt COL6A2 protein function with a positive predictive value of 80%. In summary, the available evidence is currently insufficient to determine the role of this variant in disease. Therefore, it has been classified as a Variant of Uncertain Significance.

GeneDx
Classification: Uncertain significance. Last evaluated: 2019-12-04. Review status: criteria provided, single submitter. Criteria: GeneDx Variant Classification Process June 2021. Collection method: clinical testing. Allele origin: germline. Affected: yes.
Comment: In silico analysis, which includes protein predictors and evolutionary conservation, supports that this variant does not alter protein structure/function; This variant is associated with the following publications: (PMID: 24801232, 29419890)

Literature cited by the submitters: PubMed 24801232 (cited by Labcorp Genetics (formerly Invitae), Labcorp).

NM_001849.4(COL6A2):c.1616G>A (p.Arg539Gln)

Gene: COL6A2 (collagen type VI alpha 2 chain; plus strand). Cytogenetic location: 21q22.3.
Variant type: single nucleotide variant.
Coding change: c.1616G>A on transcript NM_001849.4 (MANE Select); coding-DNA position 1616, G replaced by A.
Protein change: p.Arg539Gln; replaces arginine 539 with glutamine.
Molecular consequence: missense variant.
Genome position (GRCh38, 1-based): chr21:46,122,882, G>A. VCF-style: chr21-46122882-G-A. GRCh37 (hg19) VCF-style: chr21-47542796-G-A.
Other names: c.1616G>A, p.Arg539Gln (NM_058174.3, NM_058175.3); short protein forms R539Q.
Identifiers: ClinVar variation 652598 (VCV000652598.10), dbSNP rs768933697, ClinGen allele CA10072066.
Genomic context (GRCh38, chr21:46,122,882, plus strand): 5'-CCCTGGTAGAGACAGCTCCTCTGTCCCAGGCTAACATGTGTTCCCTGTCACAGGGAGGCC[G>A]AGGCGACTTTGGCTTGAAAGGAGAACCTGGGAGGAAAGGAGAGAAAGGAGAGCCTGTGAG-3'
Protein context (NP_001840.3, residues 529-549): EPGPRGPEGG[Arg539Gln]GDFGLKGEPG